The following is an entry in ClinVar:

ClinVar aggregate classification (germline): Uncertain significance. Review status: criteria provided, multiple submitters, no conflicts (2 of 4 stars). 3 submissions from 3 submitters: Uncertain significance (3). Last evaluated 2025-09-13.

Conditions:
Familial cancer of breast. Also called: BREAST CANCER, FAMILIAL; Hereditary breast cancer; hereditary breast carcinoma. Identifiers: Orphanet 227535, MedGen C0346153, MONDO:0016419, OMIM 114480. Disease mechanism: loss of function.
Hereditary cancer-predisposing syndrome. Also called: Neoplastic Syndromes, Hereditary; Tumor predisposition; Hereditary Cancer Syndrome; Hereditary neoplastic syndrome. Identifiers: Orphanet 140162, MedGen C0027672, MeSH D009386, MONDO:0015356.

Allele frequency attached by ClinVar (database versions not stated): TOPMed below 0.00001; gnomAD 0.00001.
gnomAD v4.1: 2 of 1,595,136 alleles (0.00013%); highest among the groups gnomAD compares: African/African-American, 0.0027%; no homozygotes.

Submissions (3):

Labcorp Genetics (formerly Invitae), Labcorp
Classification: Uncertain significance for Familial cancer of breast. Last evaluated: 2025-09-13. Review status: criteria provided, single submitter. Criteria: Invitae Variant Classification Sherloc (09022015). Collection method: clinical testing. Allele origin: germline.
Comment: This sequence change replaces serine, which is neutral and polar, with cysteine, which is neutral and slightly polar, at codon 516 of the CHEK2 protein (p.Ser516Cys). This variant is not present in population databases (gnomAD no frequency). This variant has not been reported in the literature in individuals affected with CHEK2-related conditions. ClinVar contains an entry for this variant (Variation ID: 819476). An algorithm developed to predict the effect of missense changes on protein structure and function (PolyPhen-2) suggests that this variant is likely to be disruptive. In summary, the available evidence is currently insufficient to determine the role of this variant in disease. Therefore, it has been classified as a Variant of Uncertain Significance.

Baylor Genetics
Classification: Uncertain significance for Familial cancer of breast. Last evaluated: 2023-09-11. Review status: criteria provided, single submitter. Criteria: ACMG Guidelines, 2015. Collection method: clinical testing. Allele origin: unknown.

Ambry Genetics
Classification: Uncertain significance for Hereditary cancer-predisposing syndrome. Last evaluated: 2023-08-30. Review status: criteria provided, single submitter. Criteria: Ambry Variant Classification Scheme 2023. Collection method: clinical testing. Allele origin: germline.
Comment: The p.S516C variant (also known as c.1547C>G), located in coding exon 14 of the CHEK2 gene, results from a C to G substitution at nucleotide position 1547. The serine at codon 516 is replaced by cysteine, an amino acid with dissimilar properties. This amino acid position is well conserved in available vertebrate species. In addition, this alteration is predicted to be tolerated by in silico analysis. Since supporting evidence is limited at this time, the clinical significance of this alteration remains unclear.

NM_007194.4(CHEK2):c.1547C>G (p.Ser516Cys)

Gene: CHEK2 (checkpoint kinase 2; minus strand). Cytogenetic location: 22q12.1.
Variant type: single nucleotide variant.
Coding change: c.1547C>G on transcript NM_007194.4 (MANE Select); coding-DNA position 1547, C replaced by G.
Protein change: p.Ser516Cys; replaces serine 516 with cysteine.
Molecular consequence: missense variant.
Genome position (GRCh38, 1-based): chr22:28,687,982, G>C on the plus strand (C>G on the coding strand, the complement: CHEK2 is on the minus strand). VCF-style: chr22-28687982-G-C. GRCh37 (hg19) VCF-style: chr22-29083970-G-C.
Other names: c.1676C>G, p.Ser559Cys (NM_001005735.3); c.884C>G, p.Ser295Cys (NM_001257387.3); c.1346C>G, p.Ser449Cys (NM_001349956.3); c.1460C>G, p.Ser487Cys (NM_145862.3); short protein forms S449C, S295C, S487C, S516C, S559C.
Identifiers: ClinVar variation 819476 (VCV000819476.12), dbSNP rs1601698243, ClinGen allele CA411091477.